The following is an entry in ClinVar:

NM_007294.4(BRCA1):c.2771_2772insC (p.Ile925fs)

Gene: BRCA1 (BRCA1 DNA repair associated; minus strand). Cytogenetic location: 17q21.31.
Variant type: Insertion.
Coding change: c.2771_2772insC on transcript NM_007294.4 (MANE Select); coding-DNA positions 2771 to 2772, C inserted.
Protein change: p.Ile925fs; shifts the reading frame from isoleucine 925.
Molecular consequence: frameshift variant. On other transcripts: intron variant (137).
Genome position: GRCh38 VCF-style: chr17-43092759-A-AG. GRCh37 (hg19) VCF-style: chr17-41244776-A-AG.
Other names: c.2771_2772insC, p.Ile925fs (NM_001407617.1, NM_001407618.1, NM_001407619.1 and 30 more transcripts); c.2768_2769insC, p.Ile924fs (NM_001407627.1, NM_001407628.1, NM_001407629.1 and 22 more transcripts); c.2762_2763insC, p.Ile922fs (NM_001407646.1, NM_001407647.1); c.2648_2649insC, p.Ile884fs (NM_001407648.1, NM_001407664.1, NM_001407665.1 and 19 more transcripts); c.2645_2646insC, p.Ile883fs (NM_001407649.1, NM_001407670.1, NM_001407671.1 and 11 more transcripts); c.2693_2694insC, p.Ile899fs (NM_001407653.1, NM_001407654.1, NM_001407655.1 and 4 more transcripts); c.2690_2691insC, p.Ile898fs (NM_001407659.1, NM_001407660.1, NM_001407661.1 and 1 more transcripts); c.2630_2631insC, p.Ile878fs (NM_001407692.1, NM_001407694.1, NM_001407695.1 and 29 more transcripts); and 41 more; short protein forms I878fs, I925fs, I798fs, I813fs, I814fs, I858fs, I899fs, I757fs.
Identifiers: ClinVar variation 1795812 (VCV001795812.3), dbSNP rs2552183902, ClinGen allele CA2580093972.

ClinVar aggregate classification (germline): Pathogenic (1 of 4 stars; one submission).

Conditions:
Hereditary cancer-predisposing syndrome. Also called: Tumor predisposition; Hereditary Cancer Syndrome; Neoplastic Syndromes, Hereditary; Hereditary neoplastic syndrome. Identifiers: Orphanet 140162, MedGen C0027672, MeSH D009386, MONDO:0015356.

Submission:

Ambry Genetics
Classification: Pathogenic for Hereditary cancer-predisposing syndrome. Last evaluated: 2025-07-28. Review status: criteria provided, single submitter. Criteria: Ambry Variant Classification Scheme 2023. Collection method: clinical testing. Allele origin: germline.
Comment: The c.2771_2772insC pathogenic mutation, located in coding exon 9 of the BRCA1 gene, results from an insertion of one nucleotide at position 2771, causing a translational frameshift with a predicted alternate stop codon (p.I925Yfs*13). This variant is considered to be rare based on population cohorts in the Genome Aggregation Database (gnomAD). This alteration is expected to result in loss of function by premature protein truncation or nonsense-mediated mRNA decay. As such, this alteration is interpreted as a disease-causing mutation.